The following is an entry in ClinVar:

NM_001735.3(C5):c.2846T>C (p.Ile949Thr)

Gene: C5 (complement C5; minus strand). Cytogenetic location: 9q33.2.
Variant type: single nucleotide variant.
Coding change: c.2846T>C on transcript NM_001735.3 (MANE Select); coding-DNA position 2846, T replaced by C.
Protein change: p.Ile949Thr; replaces isoleucine 949 with threonine.
Molecular consequence: missense variant.
Genome position (GRCh38, 1-based): chr9:120,996,245, A>G on the plus strand (T>C on the coding strand, the complement: C5 is on the minus strand). VCF-style: chr9-120996245-A-G. GRCh37 (hg19) VCF-style: chr9-123758523-A-G.
Other names: c.2864T>C, p.Ile955Thr (NM_001317163.2); c.2846T>C (NM_001735.2); short protein forms I949T, I955T.
Identifiers: ClinVar variation 1493595 (VCV001493595.9), dbSNP rs767014712, ClinGen allele CA5217652.

ClinVar aggregate classification (germline): Uncertain significance. Review status: criteria provided, multiple submitters, no conflicts (2 of 4 stars). 2 submissions from 2 submitters: Uncertain significance (2). Last evaluated 2025-06-30.

Allele frequency attached by ClinVar (database versions not stated): gnomAD exomes below 0.00001; TOPMed below 0.00001; ExAC 0.00001.
gnomAD v4.1: 2 of 1,607,210 alleles (0.00012%); highest among the groups gnomAD compares: Non-Finnish European, 0.00017%; no homozygotes.

Submissions (2):

Ambry Genetics
Classification: Uncertain significance. Last evaluated: 2025-06-30. Review status: criteria provided, single submitter. Criteria: Ambry Variant Classification Scheme 2023. Collection method: clinical testing. Allele origin: germline.

Labcorp Genetics (formerly Invitae), Labcorp
Classification: Uncertain significance. Last evaluated: 2021-05-25. Review status: criteria provided, single submitter. Criteria: Invitae Variant Classification Sherloc (09022015). Collection method: clinical testing. Allele origin: germline.
Comment: This sequence change replaces isoleucine with threonine at codon 949 of the C5 protein (p.Ile949Thr). The isoleucine residue is weakly conserved and there is a moderate physicochemical difference between isoleucine and threonine. This variant is present in population databases (rs767014712, ExAC 0.002%). This variant has not been reported in the literature in individuals with C5-related conditions. Algorithms developed to predict the effect of missense changes on protein structure and function are either unavailable or do not agree on the potential impact of this missense change (SIFT: "Deleterious"; PolyPhen-2: "Benign"; Align-GVGD: "Class C0"). In summary, the available evidence is currently insufficient to determine the role of this variant in disease. Therefore, it has been classified as a Variant of Uncertain Significance.